The following is an entry in ClinVar:

ClinVar aggregate classification (germline): Uncertain significance (1 of 4 stars; one submission).

Conditions:
Hereditary cancer-predisposing syndrome. Also called: Hereditary Cancer Syndrome; Neoplastic Syndromes, Hereditary; Tumor predisposition; Hereditary neoplastic syndrome. Identifiers: Orphanet 140162, MedGen C0027672, MeSH D009386, MONDO:0015356.

gnomAD v4.1: 1 of 1,613,052 alleles (0.000062%); highest among the groups gnomAD compares: Non-Finnish European, 0.000085%; no homozygotes.

Submission:

Ambry Genetics
Classification: Uncertain significance for Hereditary cancer-predisposing syndrome. Last evaluated: 2026-07-30. Review status: criteria provided, single submitter. Criteria: Ambry Variant Classification Scheme 2023. Collection method: clinical testing. Allele origin: germline.
Comment: The p.S53T variant (also known as c.158G>C), located in coding exon 1 of the ALK gene, results from a G to C substitution at nucleotide position 158. The serine at codon 53 is replaced by threonine, an amino acid with similar properties. This amino acid position is conserved. In addition, this alteration is predicted to be tolerated by in silico analysis. Based on the available evidence, the clinical significance of this variant remains unclear.

NM_004304.5(ALK):c.158G>C (p.Ser53Thr)

Gene: ALK (ALK receptor tyrosine kinase; minus strand). Cytogenetic location: 2p23.1.
Variant type: single nucleotide variant.
Coding change: c.158G>C on transcript NM_004304.5 (MANE Select); coding-DNA position 158, G replaced by C.
Protein change: p.Ser53Thr; replaces serine 53 with threonine.
Molecular consequence: missense variant.
Genome position (GRCh38, 1-based): chr2:29,920,502, C>G on the plus strand (G>C on the coding strand, the complement: ALK is on the minus strand). VCF-style: chr2-29920502-C-G. GRCh37 (hg19) VCF-style: chr2-30143368-C-G.
Other names: short protein forms S53T.
Identifiers: ClinVar variation 5035399 (VCV005035399.1).